The following is an entry in ClinVar:

NM_004527.4(MEOX1):c.527C>T (p.Thr176Met)

Gene: MEOX1 (mesenchyme homeobox 1; minus strand). Cytogenetic location: 17q21.31.
Variant type: single nucleotide variant.
Coding change: c.527C>T on transcript NM_004527.4 (MANE Select); coding-DNA position 527, C replaced by T.
Protein change: p.Thr176Met; replaces threonine 176 with methionine.
Molecular consequence: missense variant. On other transcripts: intron variant (1).
Genome position (GRCh38, 1-based): chr17:43,643,603, G>A on the plus strand (C>T on the coding strand, the complement: MEOX1 is on the minus strand). VCF-style: chr17-43643603-G-A. GRCh37 (hg19) VCF-style: chr17-41720971-G-A.
Other names: c.182C>T, p.Thr61Met (NM_001040002.2); c.470-1571C>T (NM_013999.4); c.527C>T (NM_004527.3); short protein forms T61M, T176M.
Identifiers: ClinVar variation 1430946 (VCV001430946.4), dbSNP rs200747279, ClinGen allele CA8592600.

ClinVar aggregate classification (germline): Uncertain significance. Review status: criteria provided, multiple submitters, no conflicts (2 of 4 stars). 2 submissions from 2 submitters: Uncertain significance (2). Last evaluated 2024-09-09.

Conditions:
Inborn genetic diseases. Identifiers: MedGen C0950123, MeSH D030342.

Allele frequency attached by ClinVar (database versions not stated): gnomAD exomes 0.00005 and 0.00006; ExAC 0.00010; TOPMed 0.00011; gnomAD 0.00012 and 0.00014; ESP Exome Variant Server 0.00015.
gnomAD v4.1: 91 of 1,613,242 alleles (0.0056%); highest among the groups gnomAD compares: East Asian, 0.0089%; no homozygotes.

Submissions (2):

Ambry Genetics
Classification: Uncertain significance for Inborn genetic diseases. Last evaluated: 2024-09-09. Review status: criteria provided, single submitter. Criteria: Ambry Variant Classification Scheme 2023. Collection method: clinical testing. Allele origin: germline.

Labcorp Genetics (formerly Invitae), Labcorp
Classification: Uncertain significance. Last evaluated: 2021-08-11. Review status: criteria provided, single submitter. Criteria: Invitae Variant Classification Sherloc (09022015). Collection method: clinical testing. Allele origin: germline.
Comment: This sequence change replaces threonine with methionine at codon 176 of the MEOX1 protein (p.Thr176Met). The threonine residue is highly conserved and there is a moderate physicochemical difference between threonine and methionine. This variant is present in population databases (rs200747279, ExAC 0.05%). This variant has not been reported in the literature in individuals affected with MEOX1-related conditions. Algorithms developed to predict the effect of missense changes on protein structure and function (SIFT, PolyPhen-2, Align-GVGD) all suggest that this variant is likely to be disruptive. In summary, the available evidence is currently insufficient to determine the role of this variant in disease. Therefore, it has been classified as a Variant of Uncertain Significance.